The following is an entry in ClinVar:

NM_006947.4(SRP72):c.899A>G (p.Lys300Arg)

Gene: SRP72 (signal recognition particle 72; plus strand). Cytogenetic location: 4q12.
Variant type: single nucleotide variant.
Coding change: c.899A>G on transcript NM_006947.4 (MANE Select); coding-DNA position 899, A replaced by G.
Protein change: p.Lys300Arg; replaces lysine 300 with arginine.
Molecular consequence: missense variant. On other transcripts: non-coding transcript variant (1).
Genome position (GRCh38, 1-based): chr4:56,483,212, A>G. VCF-style: chr4-56483212-A-G. GRCh37 (hg19) VCF-style: chr4-57349378-A-G.
Other names: c.716A>G, p.Lys239Arg (NM_001267722.2); short protein forms K239R, K300R.
Identifiers: ClinVar variation 2107790 (VCV002107790.4), dbSNP rs2545760292, ClinGen allele CA356999354.
Genomic context (GRCh38, chr4:56,483,212, plus strand): 5'-TTGACTCCAAGAAGAAAGTGAAATTAACCAATGCGGAAGGAGTAGAGTTTAAGCTTTCCA[A>G]GAAACAACTACAAGCTATAGAATTTAACAAAGCTTTACTTGCTATGTACACAAACCAGGT-3'
Protein context (NP_008878.3, residues 290-310): NAEGVEFKLS[Lys300Arg]KQLQAIEFNK

ClinVar aggregate classification (germline): Uncertain significance (1 of 4 stars; one submission).

Submission:

Labcorp Genetics (formerly Invitae), Labcorp
Classification: Uncertain significance. Last evaluated: 2022-03-09. Review status: criteria provided, single submitter. Criteria: Invitae Variant Classification Sherloc (09022015). Collection method: clinical testing. Allele origin: germline.
Comment: Algorithms developed to predict the effect of missense changes on protein structure and function (SIFT, PolyPhen-2, Align-GVGD) all suggest that this variant is likely to be tolerated. This variant has not been reported in the literature in individuals affected with SRP72-related conditions. This variant is not present in population databases (gnomAD no frequency). This sequence change replaces lysine, which is basic and polar, with arginine, which is basic and polar, at codon 300 of the SRP72 protein (p.Lys300Arg). In summary, the available evidence is currently insufficient to determine the role of this variant in disease. Therefore, it has been classified as a Variant of Uncertain Significance.